The following is an entry in ClinVar:

NM_006922.4(SCN3A):c.1843C>T (p.His615Tyr)

Gene: SCN3A (sodium voltage-gated channel alpha subunit 3; minus strand). Cytogenetic location: 2q24.3.
Variant type: single nucleotide variant.
Coding change: c.1843C>T on transcript NM_006922.4 (MANE Select); coding-DNA position 1843, C replaced by T.
Protein change: p.His615Tyr; replaces histidine 615 with tyrosine.
Molecular consequence: missense variant.
Genome position (GRCh38, 1-based): chr2:165,140,827, G>A on the plus strand (C>T on the coding strand, the complement: SCN3A is on the minus strand). VCF-style: chr2-165140827-G-A. GRCh37 (hg19) VCF-style: chr2-165997337-G-A.
Other names: c.1843C>T, p.His615Tyr (NM_001081676.2, NM_001081677.2); short protein forms H615Y.
Identifiers: ClinVar variation 5029125 (VCV005029125.1).

ClinVar aggregate classification (germline): Uncertain significance (1 of 4 stars; one submission).

Conditions:
Inborn genetic diseases. Identifiers: MedGen C0950123, MeSH D030342.

Submission:

Ambry Genetics
Classification: Uncertain significance for Inborn genetic diseases. Last evaluated: 2026-08-25. Review status: criteria provided, single submitter. Criteria: Ambry Variant Classification Scheme 2023. Collection method: clinical testing. Allele origin: germline.
Comment: The c.1843C>T (p.H615Y) alteration is located in exon 13 (coding exon 11) of the SCN3A gene. This alteration results from a C to T substitution at nucleotide position 1843, causing the histidine (H) at amino acid position 615 to be replaced by a tyrosine (Y). This variant was not reported in population-based cohorts in the Genome Aggregation Database (gnomAD). This amino acid position is not well conserved in available vertebrate species. This alteration is predicted to be tolerated by in silico analysis. Based on insufficient or conflicting evidence, the clinical significance of this alteration remains unclear.